The following is an entry in ClinVar:

ClinVar aggregate classification (germline): Pathogenic/Likely pathogenic. Review status: criteria provided, multiple submitters, no conflicts (2 of 4 stars). 2 submissions from 2 submitters: Pathogenic (1); Likely pathogenic (1). Last evaluated 2025-08-04.

Conditions:
AHDC1-related intellectual disability - obstructive sleep apnea - mild dysmorphism syndrome. Also called: Xia-Gibbs syndrome. Identifiers: Orphanet 412069, MedGen C4014419, MONDO:0014358, OMIM 615829.

Submissions (2):

Genomics, Clalit Research Institute, Clalit Health Care
Classification: Likely pathogenic for AHDC1-related intellectual disability - obstructive sleep apnea - mild dysmorphism syndrome. Last evaluated: 2025-08-04. Review status: criteria provided, single submitter. Criteria: ACMG Guidelines, 2015. Collection method: clinical testing. Allele origin: germline. Affected: yes.
Comment: Inheritance: The variant was identified in the Heterozygous state in the sample. Frequency: The variant is absent from the gnomAD reference population dataset. Variant type: Null variant in a gene where LOF is a known mechanism of disease. Truncated region is critical to protein function. Variant removes more than 10% of transcript.

Dasa
Classification: Pathogenic. Last evaluated: 2024-05-31. Review status: criteria provided, single submitter. Criteria: DASA Assertion Criteria. Collection method: clinical testing. Allele origin: germline.
Comment: NM_001371928.1(AHDC1):c.451C>T (p.Arg151*) introduces a premature termination codon predicted to result in loss of normal protein function. Loss-of-function is an established mechanism of disease for this gene. Based on the available data, this variant is classified as pathogenic.

Literature cited by the submitters: PubMed 32256298 (cited by Genomics, Clalit Research Institute, Clalit Health Care).

NM_001371928.1(AHDC1):c.451C>T (p.Arg151Ter)

Gene: AHDC1 (AT-hook DNA binding motif containing 1; minus strand). Cytogenetic location: 1p36.11.
Variant type: single nucleotide variant.
Coding change: c.451C>T on transcript NM_001371928.1 (MANE Select); coding-DNA position 451, C replaced by T.
Protein change: p.Arg151Ter; replaces arginine 151 with a stop codon.
Molecular consequence: nonsense.
Genome position (GRCh38, 1-based): chr1:27,551,665, G>A on the plus strand (C>T on the coding strand, the complement: AHDC1 is on the minus strand). VCF-style: chr1-27551665-G-A. GRCh37 (hg19) VCF-style: chr1-27878176-G-A.
Other names: c.451C>T, p.Arg151Ter (NM_001029882.3); short protein forms R151*.
Identifiers: ClinVar variation 4845363 (VCV004845363.2).